The following is an entry in ClinVar:

NM_002860.4(ALDH18A1):c.357C>T (p.Ala119=)

Gene: ALDH18A1 (aldehyde dehydrogenase 18 family member A1; minus strand). Cytogenetic location: 10q24.1.
Variant type: single nucleotide variant.
Coding change: c.357C>T on transcript NM_002860.4 (MANE Select); coding-DNA position 357, C replaced by T.
Protein change: p.Ala119=; no amino-acid change (alanine 119 retained).
Molecular consequence: synonymous variant. On other transcripts: intron variant (1).
Genome position (GRCh38, 1-based): chr10:95,637,383, G>A on the plus strand (C>T on the coding strand, the complement: ALDH18A1 is on the minus strand). VCF-style: chr10-95637383-G-A. GRCh37 (hg19) VCF-style: chr10-97397140-G-A.
Other names: c.357C>T, p.Ala119= (NM_001017423.2, NM_001323413.2, NM_001323414.2 and 2 more transcripts); c.24C>T, p.Ala8= (NM_001323412.2, NM_001323416.2, NM_001323418.2); c.-78-3734C>T (NM_001323419.2).
Identifiers: ClinVar variation 1124822 (VCV001124822.49), dbSNP rs767594147, ClinGen allele CA5620619.

ClinVar aggregate classification (germline): Conflicting classifications of pathogenicity. Review status: criteria provided, conflicting classifications (1 of 4 stars). 5 submissions from 5 submitters: Uncertain significance (1); Likely benign (4). Last evaluated 2026-06-01.

Conditions:
ALDH18A1-related disorder. Also called: ALDH18A1-related disorders.
Autosomal dominant spastic paraplegia type 9. Identifiers: MedGen C1832669, MONDO:0015091.
Cutis laxa, autosomal dominant 3 (ADCL3). Identifiers: Orphanet 90348, MedGen C4225268, MONDO:0014706, OMIM 616603.
de Barsy syndrome. Also called: Cutis laxa-corneal clouding-oligophrenia syndrome. Identifiers: Orphanet 2962, MedGen C0268354, MONDO:0017569.
Hereditary spastic paraplegia. Also called: Familial spastic paraparesis. Identifiers: Orphanet 685, MedGen C0037773, MONDO:0019064. Disease mechanism: loss of function.

Allele frequency attached by ClinVar (database versions not stated): ExAC 0.00002; gnomAD exomes 0.00004.
gnomAD v4.1: 205 of 1,614,070 alleles (0.013%); highest among the groups gnomAD compares: Non-Finnish European, 0.016%; no homozygotes.

Submissions (5):

CeGaT Center for Human Genetics Tuebingen
Classification: Likely benign. Last evaluated: 2026-06-01. Review status: criteria provided, single submitter. Criteria: CeGaT Center For Human Genetics Tuebingen Variant Classification Criteria Version 2. Collection method: clinical testing. Allele origin: germline. Affected: yes. Observed: 3 variant alleles.
Comment: ALDH18A1: BP4, BP7

Labcorp Genetics (formerly Invitae), Labcorp
Classification: Likely benign for Autosomal dominant spastic paraplegia type 9; de Barsy syndrome; Cutis laxa, autosomal dominant 3. Last evaluated: 2025-12-06. Review status: criteria provided, single submitter. Criteria: Invitae Variant Classification Sherloc (09022015). Collection method: clinical testing. Allele origin: germline.

PreventionGenetics, part of Exact Sciences
Classification: Likely benign for ALDH18A1-related condition. Last evaluated: 2025-03-17. Review status: criteria provided, single submitter. Criteria: ACMG Guidelines, 2015. Collection method: clinical testing. Allele origin: germline.
Comment: This variant is classified as likely benign based on ACMG/AMP sequence variant interpretation guidelines (Richards et al. 2015 PMID: 25741868, with internal and published modifications).

Blueprint Genetics
Classification: Likely benign. Last evaluated: 2022-12-27. Review status: criteria provided, single submitter. Criteria: ACMG Guidelines, 2015. Collection method: clinical testing. Allele origin: germline.

Genome Diagnostics Laboratory, The Hospital for Sick Children
Classification: Uncertain significance for Hereditary spastic paraplegia. Last evaluated: 2019-03-01. Review status: criteria provided, single submitter. Criteria: ACMG Guidelines, 2015. Collection method: clinical testing. Allele origin: germline. Affected: yes.